The following is an entry in ClinVar:

NM_138694.4(PKHD1):c.778+3A>G

Gene: PKHD1 (PKHD1 ciliary IPT domain containing fibrocystin/polyductin; minus strand). Cytogenetic location: 6p12.2.
Variant type: single nucleotide variant.
Coding change: c.778+3A>G on transcript NM_138694.4 (MANE Select); 3 bases into the intron after coding-DNA position 778, A replaced by G.
Molecular consequence: intron variant.
Genome position (GRCh38, 1-based): chr6:52,069,454, T>C on the plus strand (A>G on the coding strand, the complement: PKHD1 is on the minus strand). VCF-style: chr6-52069454-T-C. GRCh37 (hg19) VCF-style: chr6-51934252-T-C.
Other names: c.778+3A>G (NM_170724.3).
Identifiers: ClinVar variation 2917359 (VCV002917359.3), dbSNP rs1202008566, ClinGen allele CA567296261.

ClinVar aggregate classification (germline): Uncertain significance. Review status: criteria provided, multiple submitters, no conflicts (2 of 4 stars). 2 submissions from 2 submitters: Uncertain significance (2). Last evaluated 2024-01-22.

Conditions:
Polycystic kidney disease 4 (PKD4). Also called: POLYCYSTIC KIDNEY DISEASE 4 WITH OR WITHOUT POLYCYSTIC LIVER DISEASE; POLYCYSTIC KIDNEY AND HEPATIC DISEASE 1; POLYCYSTIC KIDNEY DISEASE, INFANTILE, TYPE I; PKD3; Autosomal Recessive Polycystic Kidney Disease – PKHD1. Identifiers: MedGen C4540575, MONDO:0033004, OMIM 263200.
Autosomal recessive polycystic kidney disease (ARPKD). Also called: AR polycystic kidney disease. Identifiers: Orphanet 731, Orphanet 8378, MedGen C0085548, MeSH D017044, MONDO:0009889.

Allele frequency attached by ClinVar (database versions not stated): gnomAD exomes below 0.00001.
gnomAD v4.1: 2 of 1,603,414 alleles (0.00012%); highest among the groups gnomAD compares: Admixed American, 0.0033%; no homozygotes.

Submissions (2):

Fulgent Genetics
Classification: Uncertain significance for Polycystic kidney disease 4. Last evaluated: 2024-01-22. Review status: criteria provided, single submitter. Criteria: ACMG Guidelines, 2015. Collection method: clinical testing. Allele origin: germline.

Labcorp Genetics (formerly Invitae), Labcorp
Classification: Uncertain significance for Autosomal recessive polycystic kidney disease. Last evaluated: 2022-05-12. Review status: criteria provided, single submitter. Criteria: Invitae Variant Classification Sherloc (09022015). Collection method: clinical testing. Allele origin: germline.
Comment: In summary, the available evidence is currently insufficient to determine the role of this variant in disease. Therefore, it has been classified as a Variant of Uncertain Significance. Variants that disrupt the consensus splice site are a relatively common cause of aberrant splicing (PMID: 17576681, 9536098). Algorithms developed to predict the effect of sequence changes on RNA splicing suggest that this variant may disrupt the consensus splice site. This variant has not been reported in the literature in individuals affected with PKHD1-related conditions. This variant is present in population databases (no rsID available, gnomAD 0.003%). This sequence change falls in intron 11 of the PKHD1 gene. It does not directly change the encoded amino acid sequence of the PKHD1 protein. It affects a nucleotide within the consensus splice site.

Literature cited by the submitters: PubMed 17576681 (cited by Labcorp Genetics (formerly Invitae), Labcorp); PubMed 9536098 (cited by Labcorp Genetics (formerly Invitae), Labcorp).